The following is an entry in ClinVar:

ClinVar aggregate classification (germline): Conflicting classifications of pathogenicity. Review status: criteria provided, conflicting classifications (1 of 4 stars). 2 submissions from 2 submitters: Uncertain significance (1); Likely benign (1). Last evaluated 2026-01-19.

Conditions:
Multiple mitochondrial dysfunctions syndrome 3 (MMDS3). Identifiers: Orphanet 363424, MedGen C3809165, MONDO:0014132, OMIM 615330.
Hereditary spastic paraplegia 74. Also called: Spastic paraplegia 74, autosomal recessive. Identifiers: Orphanet 468661, MedGen C5568837, MONDO:0014644, OMIM 616451.
Inborn genetic diseases. Identifiers: MedGen C0950123, MeSH D030342.

Allele frequency attached by ClinVar (database versions not stated): TOPMed 0.00005; ExAC 0.00033.

Submissions (2):

Labcorp Genetics (formerly Invitae), Labcorp
Classification: Uncertain significance for Multiple mitochondrial dysfunctions syndrome 3; Hereditary spastic paraplegia 74. Last evaluated: 2026-01-19. Review status: criteria provided, single submitter. Criteria: Invitae Variant Classification Sherloc (09022015). Collection method: clinical testing. Allele origin: germline.
Comment: This sequence change affects codon 114 of the IBA57 mRNA. It is a 'silent' change, meaning that it does not change the encoded amino acid sequence of the IBA57 protein. It affects a nucleotide within the consensus splice site. This variant is present in population databases (rs771929217, gnomAD 0.1%). This variant has not been reported in the literature in individuals affected with IBA57-related conditions. ClinVar contains an entry for this variant (Variation ID: 1969652). Algorithms developed to predict the effect of sequence changes on RNA splicing suggest that this variant is not likely to affect RNA splicing. In summary, the available evidence is currently insufficient to determine the role of this variant in disease. Therefore, it has been classified as a Variant of Uncertain Significance.

Ambry Genetics
Classification: Likely benign for Inborn genetic diseases. Last evaluated: 2024-04-12. Review status: criteria provided, single submitter. Criteria: Ambry Variant Classification Scheme 2023. Collection method: clinical testing. Allele origin: germline.

NM_001010867.4(IBA57):c.342G>C (p.Gly114=)

Gene: IBA57 (iron-sulfur cluster assembly factor IBA57; plus strand). Cytogenetic location: 1q42.13.
Variant type: single nucleotide variant.
Coding change: c.342G>C on transcript NM_001010867.4 (MANE Select); coding-DNA position 342, G replaced by C.
Protein change: p.Gly114=; no amino-acid change (glycine 114 retained).
Molecular consequence: synonymous variant. On other transcripts: 5 prime UTR variant (1).
Genome position (GRCh38, 1-based): chr1:228,174,692, G>C. VCF-style: chr1-228174692-G-C. GRCh37 (hg19) VCF-style: chr1-228362393-G-C.
Other names: c.342G>C (NM_001010867.2); c.-238G>C (NM_001310327.2).
Identifiers: ClinVar variation 1969652 (VCV001969652.5), dbSNP rs771929217, ClinGen allele CA1431131.